The following is an entry in ClinVar:

ClinVar aggregate classification (germline): Uncertain significance (1 of 4 stars; one submission).

Conditions:
Arrhythmogenic right ventricular dysplasia 9 (ARVD9). Also called: Arrhythmogenic Right Ventricular Dysplasia/Cardiomyopathy 9; ARRHYTHMOGENIC RIGHT VENTRICULAR DYSPLASIA, FAMILIAL, 9. Identifiers: MedGen C1836906, MONDO:0012180, OMIM 609040.

Submission:

Labcorp Genetics (formerly Invitae), Labcorp
Classification: Uncertain significance for Arrhythmogenic right ventricular dysplasia 9. Last evaluated: 2023-11-11. Review status: criteria provided, single submitter. Criteria: Invitae Variant Classification Sherloc (09022015). Collection method: clinical testing. Allele origin: germline.
Comment: This sequence change replaces glutamine, which is neutral and polar, with histidine, which is basic and polar, at codon 638 of the PKP2 protein (p.Gln638His). This variant is not present in population databases (gnomAD no frequency). This missense change has been observed in individual(s) with arrhythmogenic right ventricular cardiomyopathy (PMID: 20152563). An algorithm developed to predict the effect of missense changes on protein structure and function (PolyPhen-2) suggests that this variant is likely to be disruptive. In summary, the available evidence is currently insufficient to determine the role of this variant in disease. Therefore, it has been classified as a Variant of Uncertain Significance.

Literature cited by the submitters: PubMed 20152563.

NM_001005242.3(PKP2):c.1782G>T (p.Gln594His)

Gene: PKP2 (plakophilin 2; minus strand). Cytogenetic location: 12p11.21.
Variant type: single nucleotide variant.
Coding change: c.1782G>T on transcript NM_001005242.3 (MANE Select); coding-DNA position 1782, G replaced by T.
Protein change: p.Gln594His; replaces glutamine 594 with histidine.
Molecular consequence: missense variant. On other transcripts: intron variant (1).
Genome position (GRCh38, 1-based): chr12:32,822,524, C>A on the plus strand (G>T on the coding strand, the complement: PKP2 is on the minus strand). VCF-style: chr12-32822524-C-A. GRCh37 (hg19) VCF-style: chr12-32975458-C-A.
Other names: c.1782G>T, p.Gln594His (NM_001407155.1, NM_001407161.1); c.1914G>T, p.Gln638His (NM_001407157.1, NM_004572.4); c.1455G>T, p.Gln485His (NM_001407158.1, NM_001407159.1, NM_001407160.1 and 1 more transcripts); c.1675-995G>T (NM_001407156.1); short protein forms Q638H, Q485H, Q594H.
Identifiers: ClinVar variation 2695096 (VCV002695096.3), dbSNP rs2541231623, ClinGen allele CA384362952.